The following is an entry in ClinVar:

NC_000005.10:g.112707463G>T

Gene: APC (APC regulator of Wnt signaling pathway; plus strand). Cytogenetic location: 5q22.2.
Variant type: single nucleotide variant.
Genome position: GRCh38 VCF-style: chr5-112707463-G-T. GRCh37 (hg19) VCF-style: chr5-112043160-G-T.
Identifiers: ClinVar variation 660779 (VCV000660779.7), dbSNP rs1580995745, ClinGen allele CA915943574.

ClinVar aggregate classification (germline): Uncertain significance (1 of 4 stars; one submission).

Conditions:
Familial adenomatous polyposis 1 (FAP1). Also called: FAMILIAL ADENOMATOUS POLYPOSIS 1, ATTENUATED; POLYPOSIS, ADENOMATOUS INTESTINAL. Identifiers: MedGen C2713442, MONDO:0021056, OMIM 175100. Disease mechanism: loss of function.

Submission:

Labcorp Genetics (formerly Invitae), Labcorp
Classification: Uncertain significance for Familial adenomatous polyposis 1. Last evaluated: 2026-01-10. Review status: criteria provided, single submitter. Criteria: Invitae Variant Classification Sherloc (09022015). Collection method: clinical testing. Allele origin: germline.
Comment: This variant occurs in a non-coding region of the APC gene. It does not change the encoded amino acid sequence of the APC protein. This variant is not present in population databases (gnomAD no frequency). This variant has not been reported in the literature in individuals affected with APC-related conditions. ClinVar contains an entry for this variant (Variation ID: 660779). Experimental studies and prediction algorithms are not available or were not evaluated, and the functional significance of this variant is currently unknown. In summary, the available evidence is currently insufficient to determine the role of this variant in disease. Therefore, it has been classified as a Variant of Uncertain Significance.